The following is an entry in ClinVar:

ClinVar aggregate classification (germline): Uncertain significance (1 of 4 stars; one submission).

Submission:

Ambry Genetics
Classification: Uncertain significance. Last evaluated: 2022-12-27. Review status: criteria provided, single submitter. Criteria: Ambry Variant Classification Scheme 2023. Collection method: clinical testing. Allele origin: germline.
Comment: The p.G435S variant (also known as c.1303G>A), located in coding exon 9 of the POLQ gene, results from a G to A substitution at nucleotide position 1303. The glycine at codon 435 is replaced by serine, an amino acid with similar properties. This amino acid position is conserved. In addition, this alteration is predicted to be tolerated by in silico analysis. Since supporting evidence is limited at this time, the clinical significance of this alteration remains unclear.

NM_199420.4(POLQ):c.1303G>A (p.Gly435Ser)

Gene: POLQ (DNA polymerase theta; minus strand). Cytogenetic location: 3q13.33.
Variant type: single nucleotide variant.
Coding change: c.1303G>A on transcript NM_199420.4 (MANE Select); coding-DNA position 1303, G replaced by A.
Protein change: p.Gly435Ser; replaces glycine 435 with serine.
Molecular consequence: missense variant.
Genome position (GRCh38, 1-based): chr3:121,520,036, C>T on the plus strand (G>A on the coding strand, the complement: POLQ is on the minus strand). VCF-style: chr3-121520036-C-T. GRCh37 (hg19) VCF-style: chr3-121238883-C-T.
Other names: short protein forms G435S.
Identifiers: ClinVar variation 2448962 (VCV002448962.2), dbSNP rs2546810243, ClinGen allele CA354119815.
Genomic context (GRCh38, chr3:121,520,036, plus strand): 5'-GTGCAGGTAAATTCACCCCAGAAGAAAGAGTAGAAGTTGCCGCCAAGACCCGAATGAGAC[C>T]TTGACGAAAGGCTCCTTCAATGATATCCCTCTCCTCAAAAGTAAGACCTAAAAAAAGGAG-3'
Protein context (NP_955452.3, residues 425-445): RDIIEGAFRQ[Gly435Ser]LIRVLAATST